The following is an entry in ClinVar:

ClinVar aggregate classification (germline): Conflicting classifications of pathogenicity. Review status: criteria provided, conflicting classifications (1 of 4 stars). 2 submissions from 2 submitters: Likely pathogenic (1); Uncertain significance (1). Last evaluated 2026-09-08.

Conditions:
GLA-related disorder. Also called: GLA-related condition.
Fabry disease. Also called: ALPHA-GALACTOSIDASE A DEFICIENCY; ANDERSON-FABRY DISEASE; CERAMIDE TRIHEXOSIDASE DEFICIENCY; GLA DEFICIENCY; HEREDITARY DYSTOPIC LIPIDOSIS; Angiokeratoma corporis diffusum. Identifiers: Orphanet 324, MedGen C0002986, MONDO:0010526, OMIM 301500, HP:0001071. Disease mechanism: Fabry disease is due to inactivating mutations in the X-linked GLA gene resulting in deficiency of the enzyme Alpha Galactosidase-A., loss of function.

Submissions (2):

Genomenon, Inc
Classification: Uncertain significance for Fabry disease. Last evaluated: 2026-09-08. Review status: criteria provided, single submitter. Criteria: Genomenon Sequence Variant Interpretation Standards - Updated. Collection method: curation. Allele origin: germline. Affected: yes.
Comment: GLA p.Pro259Ser (c.775C>T) is a missense variant that changes the amino acid at codon 259 from Proline to Serine. This variant has been observed in at least one proband with clinical features consistent with Fabry disease (PMID:31074215). It is absent or not present at a significant frequency in gnomAD. In silico models predict that this variant is possibly or probably damaging. In conclusion, we classify GLA p.Pro259Ser (c.775C>T) as a variant of uncertain significance.

Blueprint Genetics
Classification: Likely pathogenic for GLA-related disorders. Last evaluated: 2022-01-07. Review status: criteria provided, single submitter. Criteria: ACMG Guidelines, 2015. Collection method: clinical testing. Allele origin: germline. Affected: yes. Observed: 1 variant allele.

Literature cited by the submitters: PubMed 31074215 (cited by Genomenon, Inc).

NM_000169.3(GLA):c.775C>T (p.Pro259Ser)

Genes: GLA (galactosidase alpha; minus strand), RPL36A-HNRNPH2 (RPL36A-HNRNPH2 readthrough; plus strand). Cytogenetic location: Xq22.1.
Variant type: single nucleotide variant.
Coding change: c.775C>T on transcript NM_000169.3 (MANE Select); coding-DNA position 775, C replaced by T.
Protein change: p.Pro259Ser; replaces proline 259 with serine.
Molecular consequence: missense variant. On other transcripts: non-coding transcript variant (3), intron variant (2).
Genome position (GRCh38, 1-based): chrX:101,398,811, G>A on the plus strand (C>T on the coding strand, the complement: GLA is on the minus strand). VCF-style: chrX-101398811-G-A. GRCh37 (hg19) VCF-style: chrX-100653799-G-A.
Other names: c.898C>T, p.Pro300Ser (NM_001406747.1); c.775C>T, p.Pro259Ser (NM_001406748.1); c.300+3354G>A (NM_001199973.2); c.177+6989G>A (NM_001199974.2); short protein forms P259S, P300S.
Identifiers: ClinVar variation 4087507 (VCV004087507.2).